The following is an entry in ClinVar:

ClinVar aggregate classification (germline): Likely benign. Review status: criteria provided, multiple submitters, no conflicts (2 of 4 stars). 3 submissions from 3 submitters: Likely benign (3). Last evaluated 2026-04-01.

Conditions:
Inborn genetic diseases. Identifiers: MedGen C0950123, MeSH D030342.

Allele frequency attached by ClinVar (database versions not stated): gnomAD exomes 0.00004; gnomAD 0.00005; ESP Exome Variant Server 0.00008; TOPMed 0.00009; ExAC 0.00017.
gnomAD v4.1: 69 of 1,612,892 alleles (0.0043%); highest among the groups gnomAD compares: Admixed American, 0.092%; no homozygotes.

Submissions (3):

CeGaT Center for Human Genetics Tuebingen
Classification: Likely benign. Last evaluated: 2026-04-01. Review status: criteria provided, single submitter. Criteria: CeGaT Center For Human Genetics Tuebingen Variant Classification Criteria Version 2. Collection method: clinical testing. Allele origin: germline. Affected: yes. Observed: 1 variant allele.
Comment: RERE: BS1

Labcorp Genetics (formerly Invitae), Labcorp
Classification: Likely benign. Last evaluated: 2026-01-21. Review status: criteria provided, single submitter. Criteria: Invitae Variant Classification Sherloc (09022015). Collection method: clinical testing. Allele origin: germline.

Ambry Genetics
Classification: Likely benign for Inborn genetic diseases. Last evaluated: 2025-09-11. Review status: criteria provided, single submitter. Criteria: Ambry Variant Classification Scheme 2023. Collection method: clinical testing. Allele origin: germline.

NM_001042681.2(RERE):c.467C>T (p.Pro156Leu)

Gene: RERE (arginine-glutamic acid dipeptide repeats; minus strand). Cytogenetic location: 1p36.23.
Variant type: single nucleotide variant.
Coding change: c.467C>T on transcript NM_001042681.2 (MANE Select); coding-DNA position 467, C replaced by T.
Protein change: p.Pro156Leu; replaces proline 156 with leucine.
Molecular consequence: missense variant.
Genome position (GRCh38, 1-based): chr1:8,614,616, G>A on the plus strand (C>T on the coding strand, the complement: RERE is on the minus strand). VCF-style: chr1-8614616-G-A. GRCh37 (hg19) VCF-style: chr1-8674675-G-A.
Other names: c.467C>T (NM_012102.3); c.467C>T, p.Pro156Leu (NM_012102.4); short protein forms P156L.
Identifiers: ClinVar variation 2076065 (VCV002076065.7), dbSNP rs142313428, ClinGen allele CA572073.